The following is an entry in ClinVar:

ClinVar aggregate classification (germline): Uncertain significance (1 of 4 stars; one submission).

Conditions:
Charcot-Marie-Tooth disease dominant intermediate F. Identifiers: Orphanet 352670, MedGen C4749463, MONDO:0014074, OMIM 615185.

Allele frequency attached by ClinVar (database versions not stated): gnomAD exomes below 0.00001.
gnomAD v4.1: 1 of 1,577,506 alleles (0.000063%); highest among the groups gnomAD compares: Non-Finnish European, 0.000087%; no homozygotes.

Submission:

Labcorp Genetics (formerly Invitae), Labcorp
Classification: Uncertain significance for Charcot-Marie-Tooth disease dominant intermediate F. Last evaluated: 2022-12-28. Review status: criteria provided, single submitter. Criteria: Invitae Variant Classification Sherloc (09022015). Collection method: clinical testing. Allele origin: germline.
Comment: In summary, the available evidence is currently insufficient to determine the role of this variant in disease. Therefore, it has been classified as a Variant of Uncertain Significance. Advanced modeling of protein sequence and biophysical properties (such as structural, functional, and spatial information, amino acid conservation, physicochemical variation, residue mobility, and thermodynamic stability) performed at Invitae indicates that this missense variant is not expected to disrupt GNB4 protein function. This variant has not been reported in the literature in individuals affected with GNB4-related conditions. This variant is not present in population databases (gnomAD no frequency). This sequence change replaces tyrosine, which is neutral and polar, with cysteine, which is neutral and slightly polar, at codon 85 of the GNB4 protein (p.Tyr85Cys).

NM_021629.4(GNB4):c.254A>G (p.Tyr85Cys)

Gene: GNB4 (G protein subunit beta 4; minus strand). Cytogenetic location: 3q26.33.
Variant type: single nucleotide variant.
Coding change: c.254A>G on transcript NM_021629.4 (MANE Select); coding-DNA position 254, A replaced by G.
Protein change: p.Tyr85Cys; replaces tyrosine 85 with cysteine.
Molecular consequence: missense variant.
Genome position (GRCh38, 1-based): chr3:179,416,506, T>C on the plus strand (A>G on the coding strand, the complement: GNB4 is on the minus strand). VCF-style: chr3-179416506-T-C. GRCh37 (hg19) VCF-style: chr3-179134294-T-C.
Other names: short protein forms Y85C.
Identifiers: ClinVar variation 2823410 (VCV002823410.3), dbSNP rs2473908357, ClinGen allele CA355470333.